The following is an entry in ClinVar:

NM_005045.4(RELN):c.1381T>A (p.Leu461Ile)

Genes: RELN (reelin; minus strand), LOC126860131 (MED14-independent group 3 enhancer GRCh37_chr7:103301048-103302247; plus strand). Cytogenetic location: 7q22.1.
Variant type: single nucleotide variant.
Coding change: c.1381T>A on transcript NM_005045.4 (MANE Select); coding-DNA position 1381, T replaced by A.
Protein change: p.Leu461Ile; replaces leucine 461 with isoleucine.
Molecular consequence: missense variant.
Genome position (GRCh38, 1-based): chr7:103,661,436, A>T on the plus strand (T>A on the coding strand, the complement: RELN is on the minus strand). VCF-style: chr7-103661436-A-T. GRCh37 (hg19) VCF-style: chr7-103301883-A-T.
Other names: c.1381T>A, p.Leu461Ile (NM_173054.3); short protein forms L461I.
Identifiers: ClinVar variation 4687825 (VCV004687825.1).

ClinVar aggregate classification (germline): Uncertain significance (1 of 4 stars; one submission).

Submission:

Women's Health and Genetics/Laboratory Corporation of America, LabCorp
Classification: Uncertain significance. Last evaluated: 2025-10-23. Review status: criteria provided, single submitter. Criteria: LabCorp Variant Classification Summary - May 2015. Collection method: clinical testing. Allele origin: germline.
Comment: Variant summary: RELN c.1381T>A (p.Leu461Ile) results in a conservative amino acid change in the encoded protein sequence. Algorithms developed to predict the effect of missense changes on protein structure and function all suggest that this variant is likely to be tolerated. The variant was absent in 250826 control chromosomes. The available data on variant occurrences in the general population are insufficient to allow any conclusion about variant significance. To our knowledge, no occurrence of c.1381T>A in individuals affected with RELN-related conditions and no experimental evidence demonstrating its impact on protein function have been reported. No submitters have cited clinical-significance assessments for this variant to ClinVar. Based on the evidence outlined above, the variant was classified as uncertain significance.